The following is an entry in ClinVar:

ClinVar aggregate classification (germline): Uncertain significance (1 of 4 stars; one submission).

gnomAD v4.1: 1 of 1,594,756 alleles (0.000063%); highest among the groups gnomAD compares: South Asian, 0.0011%; no homozygotes.

Submission:

Labcorp Genetics (formerly Invitae), Labcorp
Classification: Uncertain significance. Last evaluated: 2025-02-13. Review status: criteria provided, single submitter. Criteria: Invitae Variant Classification Sherloc (09022015). Collection method: clinical testing. Allele origin: germline.
Comment: This sequence change replaces valine, which is neutral and non-polar, with leucine, which is neutral and non-polar, at codon 95 of the DHX32 protein (p.Val95Leu). This variant is present in population databases (rs773868637, gnomAD 0.004%). This variant has not been reported in the literature in individuals affected with DHX32-related conditions. An algorithm developed to predict the effect of missense changes on protein structure and function (PolyPhen-2) suggests that this variant is likely to be tolerated. In summary, the available evidence is currently insufficient to determine the role of this variant in disease. Therefore, it has been classified as a Variant of Uncertain Significance.

NM_018180.3(DHX32):c.283G>C (p.Val95Leu)

Gene: DHX32 (DEAH-box helicase 32 (putative); minus strand). Cytogenetic location: 10q26.2.
Variant type: single nucleotide variant.
Coding change: c.283G>C on transcript NM_018180.3 (MANE Select); coding-DNA position 283, G replaced by C.
Protein change: p.Val95Leu; replaces valine 95 with leucine.
Molecular consequence: missense variant.
Genome position (GRCh38, 1-based): chr10:125,867,183, C>G on the plus strand (G>C on the coding strand, the complement: DHX32 is on the minus strand). VCF-style: chr10-125867183-C-G. GRCh37 (hg19) VCF-style: chr10-127555752-C-G.
Other names: short protein forms V95L.
Identifiers: ClinVar variation 4713005 (VCV004713005.1).